The following is an entry in ClinVar:

NM_145691.4(ATPAF2):c.249C>A (p.Ser83Arg)

Gene: ATPAF2 (ATP synthase mitochondrial F1 complex assembly factor 2; minus strand). Cytogenetic location: 17p11.2.
Variant type: single nucleotide variant.
Coding change: c.249C>A on transcript NM_145691.4 (MANE Select); coding-DNA position 249, C replaced by A.
Protein change: p.Ser83Arg; replaces serine 83 with arginine.
Molecular consequence: missense variant.
Genome position (GRCh38, 1-based): chr17:18,028,307, G>T on the plus strand (C>A on the coding strand, the complement: ATPAF2 is on the minus strand). VCF-style: chr17-18028307-G-T. GRCh37 (hg19) VCF-style: chr17-17931621-G-T.
Other names: short protein forms S83R.
Identifiers: ClinVar variation 2008315 (VCV002008315.4), dbSNP rs747257537, ClinGen allele CA398578410.

ClinVar aggregate classification (germline): Uncertain significance (1 of 4 stars; one submission).

gnomAD v4.1: 1 of 1,614,014 alleles (0.000062%); highest among the groups gnomAD compares: African/African-American, 0.0013%; no homozygotes.

Submission:

Labcorp Genetics (formerly Invitae), Labcorp
Classification: Uncertain significance. Last evaluated: 2022-06-19. Review status: criteria provided, single submitter. Criteria: Invitae Variant Classification Sherloc (09022015). Collection method: clinical testing. Allele origin: germline.
Comment: This sequence change replaces serine, which is neutral and polar, with arginine, which is basic and polar, at codon 83 of the ATPAF2 protein (p.Ser83Arg). This variant is present in population databases (no rsID available, gnomAD 0.01%). This variant has not been reported in the literature in individuals affected with ATPAF2-related conditions. Algorithms developed to predict the effect of missense changes on protein structure and function (SIFT, PolyPhen-2, Align-GVGD) all suggest that this variant is likely to be disruptive. In summary, the available evidence is currently insufficient to determine the role of this variant in disease. Therefore, it has been classified as a Variant of Uncertain Significance.